The following is an entry in ClinVar:

NM_007294.4(BRCA1):c.4457del (p.Ser1486fs)

Gene: BRCA1 (BRCA1 DNA repair associated; minus strand). Cytogenetic location: 17q21.31.
Variant type: Deletion.
Coding change: c.4457del on transcript NM_007294.4 (MANE Select); coding-DNA position 4457, one base deleted (G; older notation c.4457delG).
Protein change: p.Ser1486fs; shifts the reading frame from serine 1486.
Molecular consequence: frameshift variant. On other transcripts: non-coding transcript variant (1).
Genome position (GRCh38, 1-based): chr17:43,076,515, C deleted on the plus strand (G on the coding strand, the reverse complement: BRCA1 is on the minus strand). VCF-style (leftmost placement, unchanged base first): chr17-43076514-AC-A. GRCh37 (hg19) VCF-style: chr17-41228531-AC-A.
Other names: 4576delG; c.4244delG, p.Ser1415Ilefs (NM_001407571.1, NM_001407894.1, NM_001407895.1 and 12 more transcripts); c.4523delG, p.Ser1508Ilefs (NM_001407581.1, NM_001407582.1); c.4520delG, p.Ser1507Ilefs (NM_001407583.1, NM_001407585.1, NM_001407587.1); c.4517delG, p.Ser1506Ilefs (NM_001407590.1, NM_001407591.1); c.4457delG, p.Ser1486Ilefs (NM_001407593.1, NM_001407594.1, NM_001407596.1 and 8 more transcripts); c.4454delG, p.Ser1485Ilefs (NM_001407610.1, NM_001407611.1, NM_001407612.1 and 17 more transcripts); c.4451delG, p.Ser1484Ilefs (NM_001407627.1, NM_001407628.1, NM_001407629.1 and 14 more transcripts); and 72 more; short protein forms S1439fs, S1507fs, S1486fs, S382fs.
Identifiers: ClinVar variation 55205 (VCV000055205.7), dbSNP rs397509180, ClinGen allele CA002860.

ClinVar aggregate classification (germline): Pathogenic. Review status: reviewed by expert panel (3 of 4 stars). 2 submissions from 2 submitters: Pathogenic (1). 1 of the submissions does not count toward it. Last evaluated 2016-10-18.

Conditions:
Breast-ovarian cancer, familial, susceptibility to, 1 (BROVCA1). Also called: BRCA1 Hereditary Breast and Ovarian Cancer; OVARIAN CANCER, SUSCEPTIBILITY TO. Identifiers: Orphanet 145, MedGen C2676676, MONDO:0011450, OMIM 604370. Disease mechanism: loss of function.

Submissions (2):

Evidence-based Network for the Interpretation of Germline Mutant Alleles (ENIGMA)
Classification: Pathogenic for Breast-ovarian cancer, familial, susceptibility to, 1. Last evaluated: 2016-10-18. Review status: reviewed by expert panel. Criteria: ENIGMA BRCA1/2 Classification Criteria (2015). Collection method: curation. Allele origin: germline.
Comment: Variant allele predicted to encode a truncated non-functional protein.

Consortium of Investigators of Modifiers of BRCA1/2 (CIMBA), c/o University of Cambridge
Classification: Pathogenic for Breast-ovarian cancer, familial, susceptibility to, 1. Last evaluated: 2015-10-02. Review status: criteria provided, single submitter. Criteria: CIMBA Mutation Classification guidelines May 2016. Collection method: clinical testing. Allele origin: germline. Not counted in ClinVar's aggregate classification.